The following is an entry in ClinVar:

ClinVar aggregate classification (germline): Uncertain significance. Review status: criteria provided, multiple submitters, no conflicts (2 of 4 stars). 4 submissions from 4 submitters: Uncertain significance (4). Last evaluated 2026-06-25.

Conditions:
Inborn genetic diseases. Identifiers: MedGen C0950123, MeSH D030342.
Nephronophthisis 9 (NPHP9). Identifiers: Orphanet 655, MedGen C3151188, MONDO:0013444, OMIM 613824.
Polycystic kidney disease 8. Identifiers: MedGen C5935640, MONDO:0971178, OMIM 620903.
Renal-hepatic-pancreatic dysplasia 2 (RHPD2). Identifiers: MedGen C3809434, MONDO:0014174, OMIM 615415.
NEK8-related disorder. Also called: NEK8-related condition.

Allele frequency attached by ClinVar (database versions not stated): ExAC 0.00002; gnomAD 0.00004; gnomAD exomes 0.00004; TOPMed 0.00006; ESP Exome Variant Server 0.00008.

Submissions (4):

PreventionGenetics, part of Exact Sciences
Classification: Uncertain significance for NEK8-related condition. Last evaluated: 2026-06-25. Review status: criteria provided, single submitter. Criteria: ACMG Guidelines, 2015. Collection method: clinical testing. Allele origin: germline.
Comment: The NEK8 c.2000C>T variant is predicted to result in the amino acid substitution p.Thr667Met. To our knowledge, this variant has not been reported in the literature. This variant is reported in 0.0080% of alleles in individuals of African descent in gnomAD. At this time, the clinical significance of this variant is uncertain due to the absence of conclusive functional and genetic evidence.

Labcorp Genetics (formerly Invitae), Labcorp
Classification: Uncertain significance for Nephronophthisis 9. Last evaluated: 2025-10-19. Review status: criteria provided, single submitter. Criteria: Invitae Variant Classification Sherloc (09022015). Collection method: clinical testing. Allele origin: germline.
Comment: This sequence change replaces threonine, which is neutral and polar, with methionine, which is neutral and non-polar, at codon 667 of the NEK8 protein (p.Thr667Met). This variant is present in population databases (rs147625932, gnomAD 0.008%). This variant has not been reported in the literature in individuals affected with NEK8-related conditions. ClinVar contains an entry for this variant (Variation ID: 1026934). An algorithm developed to predict the effect of missense changes on protein structure and function outputs the following: PolyPhen-2: "Benign". The methionine amino acid residue is found in multiple mammalian species, which suggests that this missense change does not adversely affect protein function. In summary, the available evidence is currently insufficient to determine the role of this variant in disease. Therefore, it has been classified as a Variant of Uncertain Significance.

Fulgent Genetics
Classification: Uncertain significance for Nephronophthisis 9; Renal-hepatic-pancreatic dysplasia 2; Polycystic kidney disease 8. Last evaluated: 2024-03-25. Review status: criteria provided, single submitter. Criteria: ACMG Guidelines, 2015. Collection method: clinical testing. Allele origin: germline.

Ambry Genetics
Classification: Uncertain significance for Inborn genetic diseases. Last evaluated: 2022-06-24. Review status: criteria provided, single submitter. Criteria: Ambry Variant Classification Scheme 2023. Collection method: clinical testing. Allele origin: germline.

NM_178170.3(NEK8):c.2000C>T (p.Thr667Met)

Gene: NEK8 (NIMA related kinase 8; plus strand). Cytogenetic location: 17q11.2.
Variant type: single nucleotide variant.
Coding change: c.2000C>T on transcript NM_178170.3 (MANE Select); coding-DNA position 2000, C replaced by T.
Protein change: p.Thr667Met; replaces threonine 667 with methionine.
Molecular consequence: missense variant.
Genome position (GRCh38, 1-based): chr17:28,741,521, C>T. VCF-style: chr17-28741521-C-T. GRCh37 (hg19) VCF-style: chr17-27068539-C-T.
Other names: c.2000C>T (NM_178170.2); short protein forms T667M.
Identifiers: ClinVar variation 1026934 (VCV001026934.10), dbSNP rs147625932, ClinGen allele CA8467613.
Genomic context (GRCh38, chr17:28,741,521, plus strand): 5'-GGAGGGATGAGGATGCCGGACTCCCTCGGCCAGTGCAGTTGGATGAGACACACCCTTACA[C>T]GGTGACTTCCGTGTCCTGTTGCCATGGAAACACCCTCCTGGCTGTTCGATGTGAGTTGTA-3'
Protein context (NP_835464.1, residues 657-677): PVQLDETHPY[Thr667Met]VTSVSCCHGN